The following is an entry in ClinVar:

NM_000535.7(PMS2):c.677A>G (p.Asn226Ser)

Gene: PMS2 (PMS1 homolog 2, mismatch repair system component; minus strand). Cytogenetic location: 7p22.1.
Variant type: single nucleotide variant.
Coding change: c.677A>G on transcript NM_000535.7 (MANE Select); coding-DNA position 677, A replaced by G.
Protein change: p.Asn226Ser; replaces asparagine 226 with serine.
Molecular consequence: missense variant. On other transcripts: 5 prime UTR variant (2), non-coding transcript variant (1), intron variant (1).
Genome position (GRCh38, 1-based): chr7:5,999,136, T>C on the plus strand (A>G on the coding strand, the complement: PMS2 is on the minus strand). VCF-style: chr7-5999136-T-C. GRCh37 (hg19) VCF-style: chr7-6038767-T-C.
Other names: c.677A>G (NM_000535.6); c.272A>G, p.Asn91Ser (NM_001322003.2, NM_001322004.2, NM_001322005.2 and 2 more transcripts); c.677A>G, p.Asn226Ser (NM_001322006.2, NM_001322014.2); c.359A>G, p.Asn120Ser (NM_001322007.2, NM_001322008.2); c.-257A>G (NM_001322011.2, NM_001322012.2); c.368A>G, p.Asn123Ser (NM_001322015.2); c.133-1713A>G (NM_001322013.2); short protein forms N226S, N91S, N120S, N123S.
Identifiers: ClinVar variation 455733 (VCV000455733.15), dbSNP rs778534735, ClinGen allele CA050860.
Genomic context (GRCh38, chr7:5,999,136, plus strand): 5'-TAAGAGGCGTTGAAGTAACCGGCCATCACTACCTGCTTCTGCCCAAACACAGAGCCGATA[T>C]TTTCCTTTATGCTGGGGCTTCCACCTGTGCATACCACAGGCTGTCGTTTTCCTTGTCCAA-3'
Protein context (NP_000526.2, residues 216-236): CTGGSPSIKE[Asn226Ser]IGSVFGQKQL

ClinVar aggregate classification (germline): Uncertain significance. Review status: criteria provided, multiple submitters, no conflicts (2 of 4 stars). 4 submissions from 4 submitters: Uncertain significance (4). Last evaluated 2026-09-23.

Conditions:
PMS2-related disorder. Also called: PMS2-related condition.
Hereditary nonpolyposis colorectal neoplasms. Identifiers: MedGen C0009405, MeSH D003123.
Hereditary cancer-predisposing syndrome. Also called: Tumor predisposition; Hereditary neoplastic syndrome; Neoplastic Syndromes, Hereditary; Hereditary Cancer Syndrome. Identifiers: Orphanet 140162, MedGen C0027672, MeSH D009386, MONDO:0015356.
Lynch syndrome 4 (LYNCH4). Also called: Hereditary non-polyposis colorectal cancer, type 4; Colorectal cancer, hereditary nonpolyposis, type 4. Identifiers: Orphanet 144, MedGen C1838333, MONDO:0013699, OMIM 614337. Disease mechanism: loss of function.

Allele frequency attached by ClinVar (database versions not stated): gnomAD exomes below 0.00001; ExAC 0.00001.

Submissions (4):

PreventionGenetics, part of Exact Sciences
Classification: Uncertain significance for PMS2-related condition. Last evaluated: 2026-09-23. Review status: criteria provided, single submitter. Criteria: ACMG Guidelines, 2015. Collection method: clinical testing. Allele origin: germline.
Comment: The PMS2 c.677A>G variant is predicted to result in the amino acid substitution p.Asn226Ser. To our knowledge, this variant has not been reported in the literature. This variant is reported in 0.0054% of alleles in individuals of East Asian descent in gnomAD and is classified in ClinVar as uncertain (Variation ID: 455733). At this time, the clinical significance of this variant is uncertain due to the absence of conclusive functional and genetic evidence.

Ambry Genetics
Classification: Uncertain significance for Hereditary cancer-predisposing syndrome. Last evaluated: 2025-09-12. Review status: criteria provided, single submitter. Criteria: Ambry Variant Classification Scheme 2023. Collection method: clinical testing. Allele origin: germline.
Comment: The p.N226S variant (also known as c.677A>G), located in coding exon 6 of the PMS2 gene, results from an A to G substitution at nucleotide position 677. The asparagine at codon 226 is replaced by serine, an amino acid with highly similar properties. This amino acid position is highly conserved in available vertebrate species. In addition, the in silico prediction for this alteration is inconclusive. Since supporting evidence is limited at this time, the clinical significance of this alteration remains unclear.

Labcorp Genetics (formerly Invitae), Labcorp
Classification: Uncertain significance for Hereditary nonpolyposis colorectal neoplasms. Last evaluated: 2025-02-19. Review status: criteria provided, single submitter. Criteria: Invitae Variant Classification Sherloc (09022015). Collection method: clinical testing. Allele origin: germline.
Comment: This sequence change replaces asparagine, which is neutral and polar, with serine, which is neutral and polar, at codon 226 of the PMS2 protein (p.Asn226Ser). This variant is present in population databases (rs778534735, gnomAD 0.006%). This variant has not been reported in the literature in individuals affected with PMS2-related conditions. ClinVar contains an entry for this variant (Variation ID: 455733). Invitae Evidence Modeling of protein sequence and biophysical properties (such as structural, functional, and spatial information, amino acid conservation, physicochemical variation, residue mobility, and thermodynamic stability) has been performed for this missense variant. However, the output from this modeling did not meet the statistical confidence thresholds required to predict the impact of this variant on PMS2 protein function. Algorithms developed to predict the effect of sequence changes on RNA splicing suggest that this variant may disrupt the consensus splice site. In summary, the available evidence is currently insufficient to determine the role of this variant in disease. Therefore, it has been classified as a Variant of Uncertain Significance.

Baylor Genetics
Classification: Uncertain significance for Lynch syndrome 4. Last evaluated: 2023-11-27. Review status: criteria provided, single submitter. Criteria: ACMG Guidelines, 2015. Collection method: clinical testing. Allele origin: unknown.